The following is an entry in ClinVar:

NM_001735.3(C5):c.4949G>A (p.Arg1650Lys)

Genes: C5-OT1 (C5 3' UTR overlapping transcript 1; minus strand), C5 (complement C5; minus strand). Cytogenetic location: 9q33.2.
Variant type: single nucleotide variant.
Coding change: c.4949G>A on transcript NM_001735.3 (MANE Select); coding-DNA position 4949, G replaced by A.
Protein change: p.Arg1650Lys; replaces arginine 1650 with lysine.
Molecular consequence: missense variant. On other transcripts: non-coding transcript variant (1).
Genome position (GRCh38, 1-based): chr9:120,952,821, C>T on the plus strand (G>A on the coding strand, the complement: C5 is on the minus strand). VCF-style: chr9-120952821-C-T. GRCh37 (hg19) VCF-style: chr9-123715099-C-T.
Other names: c.4967G>A, p.Arg1656Lys (NM_001317163.2); c.4949G>A (NM_001735.2); short protein forms R1650K, R1656K.
Identifiers: ClinVar variation 1432048 (VCV001432048.7), dbSNP rs145613662, ClinGen allele CA5217013.

ClinVar aggregate classification (germline): Uncertain significance. Review status: criteria provided, multiple submitters, no conflicts (2 of 4 stars). 2 submissions from 2 submitters: Uncertain significance (2). Last evaluated 2025-04-03.

Allele frequency attached by ClinVar (database versions not stated): gnomAD exomes 0.00003 and 0.00002; ExAC 0.00005; gnomAD 0.00018 and 0.00020; TOPMed 0.00018; ESP Exome Variant Server 0.00023.
gnomAD v4.1: 53 of 1,613,466 alleles (0.0033%); highest among the groups gnomAD compares: African/African-American, 0.064%; no homozygotes.

Submissions (2):

Ambry Genetics
Classification: Uncertain significance. Last evaluated: 2025-04-03. Review status: criteria provided, single submitter. Criteria: Ambry Variant Classification Scheme 2023. Collection method: clinical testing. Allele origin: germline.

Labcorp Genetics (formerly Invitae), Labcorp
Classification: Uncertain significance. Last evaluated: 2023-10-13. Review status: criteria provided, single submitter. Criteria: Invitae Variant Classification Sherloc (09022015). Collection method: clinical testing. Allele origin: germline.
Comment: This sequence change replaces arginine, which is basic and polar, with lysine, which is basic and polar, at codon 1650 of the C5 protein (p.Arg1650Lys). This variant is present in population databases (rs145613662, gnomAD 0.05%). This variant has not been reported in the literature in individuals affected with C5-related conditions. ClinVar contains an entry for this variant (Variation ID: 1432048). Advanced modeling of protein sequence and biophysical properties (such as structural, functional, and spatial information, amino acid conservation, physicochemical variation, residue mobility, and thermodynamic stability) performed at Invitae indicates that this missense variant is not expected to disrupt C5 protein function. In summary, the available evidence is currently insufficient to determine the role of this variant in disease. Therefore, it has been classified as a Variant of Uncertain Significance.